The following is an entry in ClinVar:

Conditions:
Arteriohepatic dysplasia. Also called: Alagille Syndrome. Identifiers: Orphanet 52, MedGen C0085280, MeSH D016738, MONDO:0007318.

Submission:

Gilbert/Spinner Lab, Children's Hospital of Philadelphia
No classification provided (evidence only). Condition: Alagille syndrome. Review status: no classification provided. Collection method: research. Allele origin: not applicable. Functional consequence: functionally_abnormal.
ClinVar note: "not provided" was previously submitted as the classification for the variant. However, the classification appeared to be based only on an observation of functional data so it was converted to no classification on 2025-07-30.

NM_000214.3(JAG1):c.403C>G (p.Leu135Val)

Gene: JAG1 (jagged canonical Notch ligand 1; minus strand). Cytogenetic location: 20p12.2.
Variant type: single nucleotide variant.
Coding change: c.403C>G on transcript NM_000214.3 (MANE Select); coding-DNA position 403, C replaced by G.
Protein change: p.Leu135Val; replaces leucine 135 with valine.
Molecular consequence: missense variant.
Genome position (GRCh38, 1-based): chr20:10,663,999, G>C on the plus strand (C>G on the coding strand, the complement: JAG1 is on the minus strand). VCF-style: chr20-10663999-G-C. GRCh37 (hg19) VCF-style: chr20-10644647-G-C.
Other names: short protein forms L135V.
Identifiers: ClinVar variation 3573459 (VCV003573459.2).